The following is an entry in ClinVar:

ClinVar aggregate classification (germline): Uncertain significance (1 of 4 stars; one submission).

Conditions:
Hereditary cancer-predisposing syndrome. Also called: Hereditary Cancer Syndrome; Neoplastic Syndromes, Hereditary; Tumor predisposition; Hereditary neoplastic syndrome. Identifiers: Orphanet 140162, MedGen C0027672, MeSH D009386, MONDO:0015356.

Submission:

Color Diagnostics, LLC DBA Color Health
Classification: Uncertain significance for Hereditary cancer-predisposing syndrome. Last evaluated: 2023-12-04. Review status: criteria provided, single submitter. Criteria: ACMG Guidelines, 2015. Collection method: clinical testing. Allele origin: germline.
Comment: This missense variant replaces glycine with valine at codon 163 of the MSH6 protein. Computational prediction is inconclusive regarding the impact of this variant on protein structure and function (internally defined REVEL score threshold 0.5 < inconclusive < 0.7, PMID: 27666373). To our knowledge, functional studies have not been reported for this variant. This variant has not been reported in individuals affected with MSH6-related disorders in the literature. This variant has not been identified in the general population by the Genome Aggregation Database (gnomAD). The available evidence is insufficient to determine the role of this variant in disease conclusively. Therefore, this variant is classified as a Variant of Uncertain Significance.

NM_000179.3(MSH6):c.488G>T (p.Gly163Val)

Gene: MSH6 (mutS homolog 6; plus strand). Cytogenetic location: 2p16.3.
Variant type: single nucleotide variant.
Coding change: c.488G>T on transcript NM_000179.3 (MANE Select); coding-DNA position 488, G replaced by T.
Protein change: p.Gly163Val; replaces glycine 163 with valine.
Molecular consequence: missense variant. On other transcripts: 5 prime UTR variant (1), intron variant (2).
Genome position (GRCh38, 1-based): chr2:47,795,924, G>T. VCF-style: chr2-47795924-G-T. GRCh37 (hg19) VCF-style: chr2-48023063-G-T.
Other names: c.-415G>T (NM_001281494.2); c.-279-2687G>T (NM_001281493.2); c.238-2687G>T (NM_001281492.2); short protein forms G163V.
Identifiers: ClinVar variation 490021 (VCV000490021.6), dbSNP rs1553411405, ClinGen allele CA346738621.